The following is an entry in ClinVar:

NM_018303.6(EXOC2):c.1241G>A (p.Arg414His)

Gene: EXOC2 (exocyst complex component 2; minus strand). Cytogenetic location: 6p25.3.
Variant type: single nucleotide variant.
Coding change: c.1241G>A on transcript NM_018303.6 (MANE Select); coding-DNA position 1241, G replaced by A.
Protein change: p.Arg414His; replaces arginine 414 with histidine.
Molecular consequence: missense variant. On other transcripts: non-coding transcript variant (1).
Genome position (GRCh38, 1-based): chr6:576,834, C>T on the plus strand (G>A on the coding strand, the complement: EXOC2 is on the minus strand). VCF-style: chr6-576834-C-T. GRCh37 (hg19) VCF-style: chr6-576834-C-T.
Other names: short protein forms R414H.
Identifiers: ClinVar variation 161714 (VCV000161714.4), dbSNP rs145867129, ClinGen allele CA174648.

ClinVar aggregate classification (germline): Uncertain significance. Review status: criteria provided, multiple submitters, no conflicts (2 of 4 stars). 3 submissions from 3 submitters: Uncertain significance (2). 1 of the submissions does not count toward it. Last evaluated 2025-10-22.

Conditions:
Prostate cancer. Also called: Malignant tumor of prostate. Identifiers: Orphanet 1331, MedGen C0376358, MONDO:0008315, HP:0012125.

Allele frequency attached by ClinVar (database versions not stated): ESP Exome Variant Server 0.00008; ExAC 0.00001; gnomAD exomes 0.00001 and 0.00003; gnomAD 0.00003 and 0.00004; TOPMed 0.00002.
gnomAD v4.1: 48 of 1,613,906 alleles (0.003%); highest among the groups gnomAD compares: Non-Finnish European, 0.0037%; no homozygotes.

Submissions (3):

Ambry Genetics
Classification: Uncertain significance. Last evaluated: 2025-10-22. Review status: criteria provided, single submitter. Criteria: Ambry Variant Classification Scheme 2023. Collection method: clinical testing. Allele origin: germline.

Breakthrough Genomics
Classification: Uncertain significance. Review status: criteria provided, single submitter. Criteria: ACMG Guidelines, 2015. Collection method: not provided. Allele origin: germline. Inheritance: Autosomal recessive inheritance. Affected: yes.

Science for Life laboratory,  Karolinska Institutet
Classification: Uncertain significance for Malignant tumor of prostate. Review status: no assertion criteria provided. Collection method: not provided. Allele origin: somatic. Not counted in ClinVar's aggregate classification.
Comment: TumorID:SWE-15
ClinVar note: Converted during submission from Unknown to Uncertain significance.